The following is an entry in ClinVar:

ClinVar aggregate classification (germline): Benign. Review status: criteria provided, single submitter (1 of 4 stars). 3 submissions from 1 submitter: Benign (3). Last evaluated 2018-01-12.

Conditions:
Familial amyloid nephropathy with urticaria AND deafness (MWS). Also called: UDA SYNDROME; URTICARIA-DEAFNESS-AMYLOIDOSIS SYNDROME; MUCKLE-WELLS SYNDROME; Urticaria, deafness and amyloidosis; CRYOPYRIN-ASSOCIATED PERIODIC SYNDROME 2. Identifiers: Orphanet 575, MedGen C0268390, MONDO:0008633, OMIM 191900.
Familial cold autoinflammatory syndrome 1 (FCAS1). Also called: CRYOPYRIN-ASSOCIATED PERIODIC SYNDROME 1; Familial cold inflammatory syndrome 1. Identifiers: Orphanet 47045, MedGen C4551895, MONDO:0007349, OMIM 120100.
Chronic infantile neurological, cutaneous and articular syndrome (CINCA). Also called: CINCA syndrome; CHRONIC NEUROLOGIC CUTANEOUS AND ARTICULAR SYNDROME; Prieur Griscelli syndrome; CRYOPYRIN-ASSOCIATED PERIODIC SYNDROME 3. Identifiers: Orphanet 1451, MedGen C0409818, MONDO:0011776, OMIM 607115.

Allele frequency attached by ClinVar (database versions not stated): gnomAD exomes 0.00001 and 0.00002; TOPMed 0.00001; ExAC 0.00002.
gnomAD v4.1: 9 of 1,614,196 alleles (0.00056%); highest among the groups gnomAD compares: East Asian, 0.02%; no homozygotes.

Submissions (3):

Illumina Laboratory Services, Illumina
Classification: Benign for Familial amyloid nephropathy with urticaria AND deafness. Last evaluated: 2018-01-12. Review status: criteria provided, single submitter. Criteria: ICSL Variant Classification Criteria 13 December 2019. Collection method: clinical testing. Allele origin: germline.
Comment: This variant was observed in the ICSL laboratory as part of a predisposition screen in an ostensibly healthy population. It had not been previously curated by ICSL or reported in the Human Gene Mutation Database (HGMD: prior to June 1st, 2018), and was therefore a candidate for classification through an automated scoring system. Utilizing variant allele frequency, disease prevalence and penetrance estimates, and inheritance mode, an automated score was calculated to assess if this variant is too frequent to cause the disease. Based on the score and internal cut-off values, a variant classified as benign is not then subjected to further curation. The score for this variant resulted in a classification of benign for this disease.

Illumina Laboratory Services, Illumina
Classification: Benign for Chronic infantile neurological, cutaneous and articular syndrome. Last evaluated: 2018-01-12. Review status: criteria provided, single submitter. Criteria: ICSL Variant Classification Criteria 13 December 2019. Collection method: clinical testing. Allele origin: germline.
Comment: the same text as in the submission from Illumina Laboratory Services, Illumina above.

Illumina Laboratory Services, Illumina
Classification: Benign for Familial cold autoinflammatory syndrome 1. Last evaluated: 2018-01-12. Review status: criteria provided, single submitter. Criteria: ICSL Variant Classification Criteria 13 December 2019. Collection method: clinical testing. Allele origin: germline.
Comment: the same text as in the submission from Illumina Laboratory Services, Illumina above.

NM_001243133.2(NLRP3):c.2598A>G (p.Gly866=)

Gene: NLRP3 (NLR family pyrin domain containing 3; plus strand). Cytogenetic location: 1q44.
Variant type: single nucleotide variant.
Coding change: c.2598A>G on transcript NM_001243133.2 (MANE Select); coding-DNA position 2598, A replaced by G.
Protein change: p.Gly866=; no amino-acid change (glycine 866 retained).
Molecular consequence: synonymous variant. On other transcripts: intron variant (2).
Genome position (GRCh38, 1-based): chr1:247,436,075, A>G. VCF-style: chr1-247436075-A-G. GRCh37 (hg19) VCF-style: chr1-247599377-A-G.
Other names: c.2598A>G, p.Gly866= (NM_001079821.3); c.2427A>G, p.Gly809= (NM_001127462.3); c.2604A>G, p.Gly868= (NM_004895.5); c.2492+1802A>G (NM_001127461.3); c.2321+1802A>G (NM_183395.3).
Identifiers: ClinVar variation 875986 (VCV000875986.4), dbSNP rs763106202, ClinGen allele CA1495303.
Genomic context (GRCh38, chr1:247,436,075, plus strand): 5'-ATCAGTATTGAGCACCAGCCATTCCCTGACCAGACTCTATGTGGGGGAGAATGCCTTGGG[A>G]GACTCAGGAGTCGCAATTTTATGTGAAAAAGCCAAGAATCCACAGTGTAACCTGCAGAAA-3'
Protein context (NP_001230062.1, residues 856-876): TRLYVGENAL[Gly866=]DSGVAILCEK